The following is an entry in ClinVar:

ClinVar aggregate classification (germline): Uncertain significance (1 of 4 stars; one submission).

Conditions:
Inborn genetic diseases. Identifiers: MedGen C0950123, MeSH D030342.

Submission:

Ambry Genetics
Classification: Uncertain significance for Inborn genetic diseases. Last evaluated: 2024-04-25. Review status: criteria provided, single submitter. Criteria: Ambry Variant Classification Scheme 2023. Collection method: clinical testing. Allele origin: germline.
Comment: The p.S233F variant (also known as c.698C>T), located in coding exon 6 of the EPAS1 gene, results from a C to T substitution at nucleotide position 698. The serine at codon 233 is replaced by phenylalanine, an amino acid with highly dissimilar properties. This amino acid position is conserved. In addition, the in silico prediction for this alteration is inconclusive. Since supporting evidence is limited at this time, the clinical significance of this alteration remains unclear.

NM_001430.5(EPAS1):c.698C>T (p.Ser233Phe)

Genes: EPAS1 (endothelial PAS domain protein 1; plus strand), LOC126806210 (BRD4-independent group 4 enhancer GRCh37_chr2:46587586-46588785; plus strand). Cytogenetic location: 2p21.
Variant type: single nucleotide variant.
Coding change: c.698C>T on transcript NM_001430.5 (MANE Select); coding-DNA position 698, C replaced by T.
Protein change: p.Ser233Phe; replaces serine 233 with phenylalanine.
Molecular consequence: missense variant.
Genome position (GRCh38, 1-based): chr2:46,361,009, C>T. VCF-style: chr2-46361009-C-T. GRCh37 (hg19) VCF-style: chr2-46588148-C-T.
Other names: short protein forms S233F.
Identifiers: ClinVar variation 1756459 (VCV001756459.3), dbSNP rs2546455512, ClinGen allele CA346700185.